The following is an entry in ClinVar:

ClinVar aggregate classification (germline): Uncertain significance. Review status: criteria provided, multiple submitters, no conflicts (2 of 4 stars). 5 submissions from 5 submitters: Uncertain significance (4). 1 of the submissions does not count toward it. Last evaluated 2025-11-21.

Conditions:
Inborn genetic diseases. Identifiers: MedGen C0950123, MeSH D030342.
RBCK1-related disorder. Also called: RBCK1-related condition.
Polyglucosan body myopathy type 1 (PGBM1). Also called: POLYGLUCOSAN BODY MYOPATHY WITHOUT IMMUNODEFICIENCY; Polyglucosan body myopathy 1 with or without immunodeficiency. Identifiers: Orphanet 329173, Orphanet 397937, MedGen C4014605, MONDO:0014389, OMIM 615895.

Allele frequency attached by ClinVar (database versions not stated): TOPMed 0.00026; gnomAD exomes 0.00026 and 0.00042; gnomAD 0.00031 and 0.00029; ExAC 0.00065.
gnomAD v4.1: 634 of 1,579,578 alleles (0.04%); highest among the groups gnomAD compares: Non-Finnish European, 0.051%; 1 homozygote.

Submissions (5):

Ambry Genetics
Classification: Uncertain significance for Inborn genetic diseases. Last evaluated: 2025-11-21. Review status: criteria provided, single submitter. Criteria: Ambry Variant Classification Scheme 2023. Collection method: clinical testing. Allele origin: germline.

Mayo Clinic Laboratories, Mayo Clinic
Classification: Uncertain significance. Last evaluated: 2025-01-01. Review status: criteria provided, single submitter. Criteria: ACMG Guidelines, 2015. Collection method: clinical testing. Allele origin: germline. Observed: 2 variant alleles.
Comment: BP4

Labcorp Genetics (formerly Invitae), Labcorp
Classification: Uncertain significance for Polyglucosan body myopathy type 1. Last evaluated: 2023-12-11. Review status: criteria provided, single submitter. Criteria: Invitae Variant Classification Sherloc (09022015). Collection method: clinical testing. Allele origin: germline.
Comment: This sequence change replaces glutamic acid, which is acidic and polar, with lysine, which is basic and polar, at codon 235 of the RBCK1 protein (p.Glu235Lys). This variant is present in population databases (rs201030033, gnomAD 0.05%). This variant has not been reported in the literature in individuals affected with RBCK1-related conditions. ClinVar contains an entry for this variant (Variation ID: 651682). Advanced modeling of protein sequence and biophysical properties (such as structural, functional, and spatial information, amino acid conservation, physicochemical variation, residue mobility, and thermodynamic stability) performed at Invitae indicates that this missense variant is not expected to disrupt RBCK1 protein function with a negative predictive value of 80%. In summary, the available evidence is currently insufficient to determine the role of this variant in disease. Therefore, it has been classified as a Variant of Uncertain Significance.

GeneDx
Classification: Uncertain significance. Last evaluated: 2022-12-27. Review status: criteria provided, single submitter. Criteria: GeneDx Variant Classification Process June 2021. Collection method: clinical testing. Allele origin: germline. Affected: yes.
Comment: Has not been previously published as pathogenic or benign to our knowledge; In silico analysis, which includes protein predictors and evolutionary conservation, supports that this variant does not alter protein structure/function

PreventionGenetics, part of Exact Sciences
Classification: Uncertain significance for RBCK1-related condition. Last evaluated: 2024-08-30. Review status: no assertion criteria provided. Collection method: clinical testing. Allele origin: germline. Not counted in ClinVar's aggregate classification.
Comment: The RBCK1 c.703G>A variant is predicted to result in the amino acid substitution p.Glu235Lys. To our knowledge, this variant has not been reported in the literature. This variant is reported in 0.048% of alleles in individuals of European (Non-Finnish) descent in gnomAD. At this time, the clinical significance of this variant is uncertain due to the absence of conclusive functional and genetic evidence.

NM_031229.4(RBCK1):c.703G>A (p.Glu235Lys)

Gene: RBCK1 (RANBP2-type and C3HC4-type zinc finger containing 1; plus strand). Cytogenetic location: 20p13.
Variant type: single nucleotide variant.
Coding change: c.703G>A on transcript NM_031229.4 (MANE Select); coding-DNA position 703, G replaced by A.
Protein change: p.Glu235Lys; replaces glutamic acid 235 with lysine.
Molecular consequence: missense variant. On other transcripts: synonymous variant (2), non-coding transcript variant (1).
Genome position (GRCh38, 1-based): chr20:419,678, G>A. VCF-style: chr20-419678-G-A. GRCh37 (hg19) VCF-style: chr20-400322-G-A.
Other names: p.Glu235Lys; c.354G>A, p.Arg118= (NM_001323956.2, NM_001323958.2); c.577G>A, p.Glu193Lys (NM_006462.6); c.703G>A (NM_031229.3); short protein forms E193K, E235K.
Identifiers: ClinVar variation 651682 (VCV000651682.12), dbSNP rs201030033, ClinGen allele CA9723157.